The following is an entry in ClinVar:

NM_005902.4(SMAD3):c.425_429del (p.Arg142fs)

Gene: SMAD3 (SMAD family member 3; plus strand). Cytogenetic location: 15q22.33.
Variant type: Microsatellite.
Coding change: c.425_429del on transcript NM_005902.4 (MANE Select); coding-DNA positions 425 to 429, 5 bases deleted (GCCAC; older notation c.425_429delGCCAC).
Protein change: p.Arg142fs; shifts the reading frame from arginine 142.
Molecular consequence: frameshift variant. On other transcripts: intron variant (2).
Genome position (GRCh38, 1-based): chr15:67,165,277-67,165,281, GCCAC deleted; deleting any 5 consecutive bases within chr15:67,165,272-67,165,281 gives the same sequence; the c. name uses the placement nearest the transcript's 3' end. VCF-style (leftmost placement, unchanged base first): chr15-67165271-TGCCAC-T. GRCh37 (hg19) VCF-style: chr15-67457609-TGCCAC-T.
Other names: c.110_114del, p.Arg37fs (NM_001145102.2, NM_001407016.1); c.293_297del, p.Arg98fs (NM_001145103.2); c.425_429del, p.Arg142fs (NM_001407011.1, NM_001407013.1); c.278_282del, p.Arg93fs (NM_001407014.1); c.400+189_400+193del (NM_001407012.1); c.85+189_85+193del (NM_001407015.1); short protein forms R142fs, R37fs, R93fs, R98fs.
Identifiers: ClinVar variation 4757853 (VCV004757853.1).

ClinVar aggregate classification (germline): Pathogenic (1 of 4 stars; one submission).

Conditions:
Familial thoracic aortic aneurysm and aortic dissection (TAAD). Also called: Thoracic aortic aneurysms and dissections. Identifiers: Orphanet 91387, MedGen C4707243, MONDO:0019625.

Submission:

Color Diagnostics, LLC DBA Color Health
Classification: Pathogenic for Familial thoracic aortic aneurysm and aortic dissection. Last evaluated: 2025-09-03. Review status: criteria provided, single submitter. Criteria: ACMG Guidelines, 2015. Collection method: clinical testing. Allele origin: germline.
Comment: This variant deletes 5 nucleotides in exon 3 of the SMAD3 gene, creating a frameshift and premature translation stop signal. This variant is expected to result in an absent or non-functional protein product. To our knowledge, this variant has not been reported in individuals affected with SMAD3-related disorders in the literature. This variant has not been identified in the general population by the Genome Aggregation Database (gnomAD). Loss of SMAD3 function is a known mechanism of disease. Based on the available evidence, this variant is classified as Pathogenic.